The following is an entry in ClinVar:

NM_000478.6(ALPL):c.62-8G>A

Gene: ALPL (alkaline phosphatase, biomineralization associated; plus strand). Cytogenetic location: 1p36.12.
Variant type: single nucleotide variant.
Coding change: c.62-8G>A on transcript NM_000478.6 (MANE Select); 8 bases into the intron before coding-DNA position 62, G replaced by A.
Molecular consequence: intron variant.
Genome position (GRCh38, 1-based): chr1:21,560,618, G>A. VCF-style: chr1-21560618-G-A. GRCh37 (hg19) VCF-style: chr1-21887111-G-A.
Other names: c.62-8G>A (NM_000478.5, NM_001369805.2, NM_001369804.2 and 1 more transcripts); c.-104-8G>A (NM_001127501.4); c.-54-8G>A (NM_001177520.3).
Identifiers: ClinVar variation 1102233 (VCV001102233.12), dbSNP rs1253638377, ClinGen allele CA416533901.

ClinVar aggregate classification (germline): Likely benign. Review status: criteria provided, multiple submitters, no conflicts (2 of 4 stars). 3 submissions from 3 submitters: Likely benign (2). 1 of the submissions does not count toward it. Last evaluated 2026-03-02.

Conditions:
ALPL-related disorder. Also called: ALPL-related condition; ALPL-related disorders.

Allele frequency attached by ClinVar (database versions not stated): TOPMed below 0.00001.

Submissions (3):

Women's Health and Genetics/Laboratory Corporation of America, LabCorp
Classification: Likely benign. Last evaluated: 2026-03-02. Review status: criteria provided, single submitter. Criteria: LabCorp Variant Classification Summary - May 2015. Collection method: clinical testing. Allele origin: germline.

Labcorp Genetics (formerly Invitae), Labcorp
Classification: Likely benign. Last evaluated: 2020-02-07. Review status: criteria provided, single submitter. Criteria: Invitae Variant Classification Sherloc (09022015). Collection method: clinical testing. Allele origin: germline.

PreventionGenetics, part of Exact Sciences
Classification: Likely benign for ALPL-related condition. Last evaluated: 2023-07-14. Review status: no assertion criteria provided. Collection method: clinical testing. Allele origin: germline. Not counted in ClinVar's aggregate classification.
Comment: This variant is classified as likely benign based on ACMG/AMP sequence variant interpretation guidelines (Richards et al. 2015 PMID: 25741868, with internal and published modifications).